The following is an entry in ClinVar:

NM_000091.5(COL4A3):c.440C>T (p.Pro147Leu)

Genes: MFF-DT (MFF divergent transcript; minus strand), COL4A3 (collagen type IV alpha 3 chain; plus strand). Cytogenetic location: 2q36.3.
Variant type: single nucleotide variant.
Coding change: c.440C>T on transcript NM_000091.5 (MANE Select); coding-DNA position 440, C replaced by T.
Protein change: p.Pro147Leu; replaces proline 147 with leucine.
Molecular consequence: missense variant.
Genome position (GRCh38, 1-based): chr2:227,246,737, C>T. VCF-style: chr2-227246737-C-T. GRCh37 (hg19) VCF-style: chr2-228111453-C-T.
Other names: short protein forms P147L.
Identifiers: ClinVar variation 1703962 (VCV001703962.6), dbSNP rs781415019, ClinGen allele CA2146088.
Genomic context (GRCh38, chr2:227,246,737, plus strand): 5'-TCTTTTAGGGTGAGCAGGGGTTTCCAGGACTCCCAGGGACACTGGGCTACCCAGGGATCC[C>T]GGTAGGTTTGCATGCCTAATTCCCCAACAAAGACATAAAGTATAAATAACAGTGGTCTAC-3'
Protein context (NP_000082.2, residues 137-157): LPGTLGYPGI[Pro147Leu]GAAGLKGQKG

ClinVar aggregate classification (germline): Uncertain significance. Review status: criteria provided, multiple submitters, no conflicts (2 of 4 stars). 4 submissions from 4 submitters: Uncertain significance (4). Last evaluated 2025-05-08.

Conditions:
Kidney disorder. Also called: Kidney disease; Kidney Diseases; renal disease; renal disorder; Nephropathy. Identifiers: MedGen C0022658, MONDO:0005240, HP:0000112.
Alport syndrome 3b, autosomal recessive. Identifiers: MedGen C5882699, MONDO:0957811, OMIM 620536.
Autosomal dominant Alport syndrome (ATS3A). Also called: Alport syndrome dominant type; Renal failure and sensorineural hearing loss; ALPORT SYNDROME 3A, AUTOSOMAL DOMINANT. Identifiers: Orphanet 63, Orphanet 88918, MedGen C5882663, MONDO:0007086, OMIM 104200.
Hematuria, benign familial, 2 (BFH2). Identifiers: MedGen C5830421, MONDO:0958186, OMIM 620320.

Allele frequency attached by ClinVar (database versions not stated): TOPMed 0.00003; gnomAD 0.00005.
gnomAD v4.1: 42 of 1,611,594 alleles (0.0026%); highest among the groups gnomAD compares: Non-Finnish European, 0.0031%; no homozygotes.

Submissions (4):

Labcorp Genetics (formerly Invitae), Labcorp
Classification: Uncertain significance. Last evaluated: 2025-05-08. Review status: criteria provided, single submitter. Criteria: Invitae Variant Classification Sherloc (09022015). Collection method: clinical testing. Allele origin: germline.
Comment: This sequence change replaces proline, which is neutral and non-polar, with leucine, which is neutral and non-polar, at codon 147 of the COL4A3 protein (p.Pro147Leu). This variant is present in population databases (rs781415019, gnomAD 0.006%). This variant has not been reported in the literature in individuals affected with COL4A3-related conditions. ClinVar contains an entry for this variant (Variation ID: 1703962). An algorithm developed to predict the effect of missense changes on protein structure and function outputs the following: PolyPhen-2: "Possibly Damaging". The leucine amino acid residue is found in multiple mammalian species, which suggests that this missense change does not adversely affect protein function. Algorithms developed to predict the effect of sequence changes on RNA splicing suggest that this variant may disrupt the consensus splice site. In summary, the available evidence is currently insufficient to determine the role of this variant in disease. Therefore, it has been classified as a Variant of Uncertain Significance.

Fulgent Genetics
Classification: Uncertain significance for Autosomal dominant Alport syndrome; Hematuria, benign familial, 2; Alport syndrome 3b, autosomal recessive. Last evaluated: 2024-05-22. Review status: criteria provided, single submitter. Criteria: ACMG Guidelines, 2015. Collection method: clinical testing. Allele origin: germline.

GeneDx
Classification: Uncertain significance. Last evaluated: 2022-03-01. Review status: criteria provided, single submitter. Criteria: GeneDx Variant Classification Process June 2021. Collection method: clinical testing. Allele origin: germline. Affected: yes.
Comment: In silico analysis supports that this missense variant has a deleterious effect on protein structure/function; Occurs in the triple helical domain at the Y position in the canonical Gly-X-Y repeat; although this variant may have an effect on normal protein folding and function, missense substitution at the Y position is not a common mechanism of disease; Has not been previously published as pathogenic or benign to our knowledge

Genome Diagnostics Laboratory, The Hospital for Sick Children
Classification: Uncertain significance for Kidney disorder. Last evaluated: 2019-07-01. Review status: criteria provided, single submitter. Criteria: ACMG Guidelines, 2015. Collection method: clinical testing. Allele origin: germline.